The following is an entry in ClinVar:

NM_016529.6(ATP8A2):c.957GTT[1] (p.Leu320del)

Gene: ATP8A2 (ATPase phospholipid transporting 8A2). Cytogenetic location: 13q12.13.
Variant type: Microsatellite.
Coding change: c.957GTT[1] on transcript NM_016529.6 (MANE Select); one copy of the 3-base unit GTT starting at c.957.
Protein change: p.Leu320del; deletes leucine 320.
Genome position: GRCh38 VCF-style: chr13-25551401-GTGT-G. GRCh37 (hg19) VCF-style: chr13-26125539-GTGT-G.
Other names: p.Leu320del; c.837GTT[1], p.Leu280del (NM_001313741.1); c.957GTT[1], p.Leu320del (NM_001411005.1, NM_001411006.1); c.960_962del (NM_016529.6); short protein forms L280del, L320del.
Identifiers: ClinVar variation 2683228 (VCV002683228.1), dbSNP rs2542352123, ClinGen allele CA2622418019.

ClinVar aggregate classification (germline): Uncertain significance (1 of 4 stars; one submission).

Submission:

Mayo Clinic Laboratories, Mayo Clinic
Classification: Uncertain significance. Last evaluated: 2023-02-24. Review status: criteria provided, single submitter. Criteria: ACMG Guidelines, 2015. Collection method: clinical testing. Allele origin: germline. Observed: 1 variant allele.
Comment: PM2